The following is an entry in ClinVar:

NM_002734.5(PRKAR1A):c.775C>G (p.Leu259Val)

Gene: PRKAR1A (protein kinase cAMP-dependent type I regulatory subunit alpha; plus strand). Cytogenetic location: 17q24.2.
Variant type: single nucleotide variant.
Coding change: c.775C>G on transcript NM_002734.5 (MANE Select); coding-DNA position 775, C replaced by G.
Protein change: p.Leu259Val; replaces leucine 259 with valine.
Molecular consequence: missense variant.
Genome position (GRCh38, 1-based): chr17:68,528,875, C>G. VCF-style: chr17-68528875-C-G. GRCh37 (hg19) VCF-style: chr17-66525016-C-G.
Other names: c.775C>G, p.Leu259Val (NM_001276289.2, NM_001276290.1, NM_001278433.2 and 4 more transcripts); short protein forms L259V.
Identifiers: ClinVar variation 2165313 (VCV002165313.4), dbSNP rs2509437207, ClinGen allele CA400753790.

ClinVar aggregate classification (germline): Uncertain significance (1 of 4 stars; one submission).

Conditions:
Carney complex, type 1 (CNC1). Also called: CARNEY MYXOMA-ENDOCRINE COMPLEX; CARNEY COMPLEX, TYPE I. Identifiers: Orphanet 1359, MedGen C2607929, MONDO:0008057, OMIM 160980.

Submission:

Labcorp Genetics (formerly Invitae), Labcorp
Classification: Uncertain significance for Carney complex, type 1. Last evaluated: 2022-08-31. Review status: criteria provided, single submitter. Criteria: Invitae Variant Classification Sherloc (09022015). Collection method: clinical testing. Allele origin: germline.
Comment: In summary, the available evidence is currently insufficient to determine the role of this variant in disease. Therefore, it has been classified as a Variant of Uncertain Significance. Algorithms developed to predict the effect of missense changes on protein structure and function (SIFT, PolyPhen-2, Align-GVGD) all suggest that this variant is likely to be disruptive. This variant has not been reported in the literature in individuals affected with PRKAR1A-related conditions. This variant is not present in population databases (gnomAD no frequency). This sequence change replaces leucine, which is neutral and non-polar, with valine, which is neutral and non-polar, at codon 259 of the PRKAR1A protein (p.Leu259Val).